The following is an entry in ClinVar:

NM_000330.4(RS1):c.52+1G>A

Gene: RS1 (retinoschisin 1; minus strand). Cytogenetic location: Xp22.13.
Variant type: single nucleotide variant.
Coding change: c.52+1G>A on transcript NM_000330.4 (MANE Select); the canonical splice donor site of the intron after coding-DNA position 52, G replaced by A.
Molecular consequence: splice donor variant.
Genome position (GRCh38, 1-based): chrX:18,672,016, C>T on the plus strand (G>A on the coding strand, the complement: RS1 is on the minus strand). VCF-style: chrX-18672016-C-T. GRCh37 (hg19) VCF-style: chrX-18690136-C-T.
Other names: NM_000330.3(RS1):c.52+1G>A.
Identifiers: ClinVar variation 98974 (VCV000098974.3), dbSNP rs281865336, ClinGen allele CA226763.
Genomic context (GRCh38, chrX:18,672,016, plus strand): 5'-CGATATTAATTAAATTATGTATTAAGTATGCAATGAATGTCAATGGTTGAATAGCACATA[C>T]CTTCATAGCCAAAGAGAAGTAATAACAAAAAGCCTTCTATCTTGCGTGACATCTTCCCCT-3'

ClinVar aggregate classification (germline): Pathogenic. Review status: reviewed by expert panel (3 of 4 stars). 3 submissions from 3 submitters: Pathogenic (1). 2 of the submissions do not count toward it. Last evaluated 2026-09-26.

Conditions:
Juvenile retinoschisis (RS1). Also called: X-linked retinoschisis; X-Linked Juvenile Retinoschisis. Identifiers: Orphanet 792, MedGen C3714753, MONDO:0010725, OMIM 312700.

Submissions (3):

ClinGen X-linked Inherited Retinal Disease Variant Curation Expert Panel, ClinGen
Classification: Pathogenic for Juvenile retinoschisis. Last evaluated: 2026-09-26. Review status: reviewed by expert panel. Criteria: ClinGen X LinkedIRD ACMG Specifications RS1 V1.0.0. Collection method: curation. Allele origin: germline. Inheritance: X-linked inheritance.
Comment: The NM_000330.4(RS1):c.52+1G>A variant is a canonical splice site variant in intron 1, located 1 nucleotide after exon 1. This variant occurs at a canonical splice site in intron 1 and is shown to disrupt splicing and induce skipping of exon 1, which is expected to introduce a premature stop codon and disrupt a critical functional domain in RS1 (PVS1). A minigene construct harboring the variant produces mRNA of aberrant size relative to the wild-type control, consistent with a deleterious effect on RS1 splicing (PMID: 38076877). This variant is absent from hemizygous individuals in gnomAD v4.1.0 (PM2_Supporting). At least one proband harboring this variant exhibits the following phenotypes, including the appearance of schisis and reduced visual acuity before age 13 years, which together are specific for X-linked retinoschisis (PMIDs: 10220153, 11035549, PP4). This variant has been reported in at least 3 apparently unrelated probands meeting one of the PS4 requirements of a male diagnosed with XLRS (PMIDs: 9618178, 30025115, 34645606, 35456481, PS4_Moderate). In summary, this variant is classified as pathogenic for X-linked retinoschisis based on the ClinGen X-linked Inherited Retinal Disease Expert Panel Specifications to the ACMG/AMP Variant Interpretation Guidelines for RS1 Version 1.0.0: PVS1, PM2_Supporting, PP4, and PS4_Supporting.

North West Genomic Laboratory Hub, Manchester University NHS Foundation Trust
Classification: Pathogenic for Juvenile retinoschisis. Last evaluated: 2025-01-21. Review status: criteria provided, single submitter. Criteria: ACGS Best Practice Guidelines for Variant Classification in Rare Disease 2024. Collection method: clinical testing. Allele origin: germline. Affected: yes. Not counted in ClinVar's aggregate classification.
Comment: PVS1_VStr PS4_Mod PP4_Supp PM2_Mod

Retina International
No classification provided. Review status: no classification provided. Collection method: not provided. Allele origin: not provided. Not counted in ClinVar's aggregate classification.